The following is an entry in ClinVar:

NM_152564.5(VPS13B):c.7779G>A (p.Gln2593=)

Gene: VPS13B (vacuolar protein sorting 13 homolog B; plus strand). Cytogenetic location: 8q22.2.
Variant type: single nucleotide variant.
Coding change: c.7779G>A on transcript NM_152564.5 (MANE Select); coding-DNA position 7779, G replaced by A.
Protein change: p.Gln2593=; no amino-acid change (glutamine 2593 retained).
Molecular consequence: synonymous variant.
Genome position (GRCh38, 1-based): chr8:99,779,031, G>A. VCF-style: chr8-99779031-G-A. GRCh37 (hg19) VCF-style: chr8-100791259-G-A.
Other names: c.7779G>A (NM_152564.4); c.7854G>A, p.Gln2618= (NM_017890.5).
Identifiers: ClinVar variation 1006724 (VCV001006724.5), dbSNP rs796478997, ClinGen allele CA183042298.
Genomic context (GRCh38, chr8:99,779,031, plus strand): 5'-TGTAAACCTTGGACAGCATGTAGTCCATTCACTAAACACTGCAATACAAGCTTGGCAACA[G>A]GTATGCACATTCCATAACAGTTTACAGTTTGGCCACATATGATCTTTTATTAGGTTCTGT-3'
Protein context (NP_689777.3, residues 2583-2603): SLNTAIQAWQ[Gln2593=]NKCPEVEELV

ClinVar aggregate classification (germline): Uncertain significance. Review status: criteria provided, multiple submitters, no conflicts (2 of 4 stars). 2 submissions from 2 submitters: Uncertain significance (2). Last evaluated 2025-03-21.

Conditions:
VPS13B-related disorder. Also called: VPS13B-related condition.
Cohen syndrome (COH1). Also called: Cutis verticis gyrata, retinitis pigmentosa, and sensorineural deafness; PEPPER SYNDROME. Identifiers: Orphanet 193, MedGen C0265223, MONDO:0008999, OMIM 216550.

Submissions (2):

PreventionGenetics, part of Exact Sciences
Classification: Uncertain significance for VPS13B-related condition. Last evaluated: 2025-03-21. Review status: criteria provided, single submitter. Criteria: ACMG Guidelines, 2015. Collection method: clinical testing. Allele origin: germline.
Comment: The VPS13B c.7779G>A variant is not predicted to result in an amino acid change (p.=). This variant is predicted to alter splicing based on available splicing prediction software (SpliceAI, Jaganathan et al. 2019. PubMed ID: 30661751). However, the use of computer prediction softwares is not equivalent to functional evidence. To our knowledge, this variant has not been reported in the literature or in a large population database (gnomAD), indicating this variant is rare. At this time, the clinical significance of this variant is uncertain due to the absence of conclusive functional and genetic evidence.

Labcorp Genetics (formerly Invitae), Labcorp
Classification: Uncertain significance for Cohen syndrome. Last evaluated: 2022-07-12. Review status: criteria provided, single submitter. Criteria: Invitae Variant Classification Sherloc (09022015). Collection method: clinical testing. Allele origin: germline.
Comment: This sequence change affects codon 2618 of the VPS13B mRNA. It is a 'silent' change, meaning that it does not change the encoded amino acid sequence of the VPS13B protein. This variant also falls at the last nucleotide of exon 42, which is part of the consensus splice site for this exon. This variant is not present in population databases (gnomAD no frequency). This variant has not been reported in the literature in individuals affected with VPS13B-related conditions. ClinVar contains an entry for this variant (Variation ID: 1006724). Variants that disrupt the consensus splice site are a relatively common cause of aberrant splicing (PMID: 17576681, 9536098). Algorithms developed to predict the effect of sequence changes on RNA splicing suggest that this variant may disrupt the consensus splice site. In summary, the available evidence is currently insufficient to determine the role of this variant in disease. Therefore, it has been classified as a Variant of Uncertain Significance.

Literature cited by the submitters: PubMed 17576681 (cited by Labcorp Genetics (formerly Invitae), Labcorp); PubMed 9536098 (cited by Labcorp Genetics (formerly Invitae), Labcorp).